The following is an entry in ClinVar:

NM_001009944.3(PKD1):c.3685G>A (p.Val1229Met)

Gene: PKD1 (polycystin 1, transient receptor potential channel interacting; minus strand). Cytogenetic location: 16p13.3.
Variant type: single nucleotide variant.
Coding change: c.3685G>A on transcript NM_001009944.3 (MANE Select); coding-DNA position 3685, G replaced by A.
Protein change: p.Val1229Met; replaces valine 1229 with methionine.
Molecular consequence: missense variant.
Genome position (GRCh38, 1-based): chr16:2,111,482, C>T on the plus strand (G>A on the coding strand, the complement: PKD1 is on the minus strand). VCF-style: chr16-2111482-C-T. GRCh37 (hg19) VCF-style: chr16-2161483-C-T.
Other names: c.3685G>A, p.Val1229Met (NM_000296.4); short protein forms V1229M.
Identifiers: ClinVar variation 1807321 (VCV001807321.6), dbSNP rs142712914, ClinGen allele CA7832672.
Genomic context (GRCh38, chr16:2,111,482, plus strand): 5'-CCCCCATGTCGAAGGTCCACGTGATGTTGTCGCCCGTCTGCACCGCGGCGCTGACCACCA[C>T]GGGGGCGCCCTGCTCCACGGCCAGGCTCATGTCCACGCTGAGTCCGCGGAGCTCCTCAAA-3'
Protein context (NP_001009944.3, residues 1219-1239): MSLAVEQGAP[Val1229Met]VVSAAVQTGD

ClinVar aggregate classification (germline): Uncertain significance. Review status: criteria provided, multiple submitters, no conflicts (2 of 4 stars). 3 submissions from 3 submitters: Uncertain significance (3). Last evaluated 2025-04-07.

Conditions:
Inborn genetic diseases. Identifiers: MedGen C0950123, MeSH D030342.

Allele frequency attached by ClinVar (database versions not stated): ExAC 0.00007; TOPMed 0.00010; gnomAD 0.00011; ESP Exome Variant Server 0.00024.
gnomAD v4.1: 232 of 1,611,292 alleles (0.014%); highest among the groups gnomAD compares: Non-Finnish European, 0.019%; no homozygotes.

Submissions (3):

Ambry Genetics
Classification: Uncertain significance for Inborn genetic diseases. Last evaluated: 2025-04-07. Review status: criteria provided, single submitter. Criteria: Ambry Variant Classification Scheme 2023. Collection method: clinical testing. Allele origin: germline.

Women's Health and Genetics/Laboratory Corporation of America, LabCorp
Classification: Uncertain significance. Last evaluated: 2025-02-25. Review status: criteria provided, single submitter. Criteria: LabCorp Variant Classification Summary - May 2015. Collection method: clinical testing. Allele origin: germline.
Comment: Variant summary: PKD1 c.3685G>A (p.Val1229Met) results in a conservative amino acid change located in the polycystic kidney disease (PKD) repeat domain (IPR000601) of the encoded protein sequence. Five of five in-silico tools predict a benign effect of the variant on protein function. The variant allele was found at a frequency of 0.00014 in 1604348 control chromosomes. This frequency is not significantly higher than the maximum estimated for a pathogenic variant in PKD1 causing Polycystic Kidney Disease 1 (0.0005), allowing no conclusion about variant significance. To our knowledge, no occurrence of c.3685G>A in individuals affected with Polycystic Kidney Disease 1 and no experimental evidence demonstrating its impact on protein function have been reported. ClinVar contains an entry for this variant (Variation ID: 1807321). Based on the evidence outlined above, the variant was classified as uncertain significance.

Athena Diagnostics
Classification: Uncertain significance. Last evaluated: 2022-05-18. Review status: criteria provided, single submitter. Criteria: Athena Diagnostics Criteria. Collection method: clinical testing. Allele origin: unknown.